The following is an entry in ClinVar:

ClinVar aggregate classification (germline): Pathogenic (1 of 4 stars; one submission).

Submission:

Labcorp Genetics (formerly Invitae), Labcorp
Classification: Pathogenic. Last evaluated: 2023-07-07. Review status: criteria provided, single submitter. Criteria: Invitae Variant Classification Sherloc (09022015). Collection method: clinical testing. Allele origin: germline.
Comment: This sequence change creates a premature translational stop signal (p.Leu819Tyrfs*29) in the RP1 gene. While this is not anticipated to result in nonsense mediated decay, it is expected to disrupt the last 1338 amino acid(s) of the RP1 protein. This variant is not present in population databases (gnomAD no frequency). This variant has not been reported in the literature in individuals affected with RP1-related conditions. ClinVar contains an entry for this variant (Variation ID: 2106949). This variant disrupts the C-terminus of the RP1 protein. Many variants that disrupt this region have been reported in individuals with either autosomal dominant or autosomal recessive retinitis pigmentosa (PMID: 11527933, 19933189, 29425069, 30027431, 33681214). Therefore, variants that disrupt this region are expected to be disease-causing. For these reasons, this variant has been classified as Pathogenic.

Literature cited by the submitters: PubMed 11527933; PubMed 19933189; PubMed 29425069; PubMed 30027431; PubMed 33681214.

NM_006269.2(RP1):c.2456del (p.Leu819fs)

Gene: RP1 (RP1 axonemal microtubule associated; plus strand). Cytogenetic location: 8q12.1.
Variant type: Deletion.
Coding change: c.2456del on transcript NM_006269.2 (MANE Select); coding-DNA position 2456, one base deleted (T; older notation c.2456delT).
Protein change: p.Leu819fs; shifts the reading frame from leucine 819.
Molecular consequence: frameshift variant. On other transcripts: intron variant (1).
Genome position (GRCh38, 1-based): chr8:54,626,338, T deleted; the last of 3 consecutive T bases (chr8:54,626,336-54,626,338); deleting any one gives the same sequence. VCF-style (leftmost placement, unchanged base first): chr8-54626335-GT-G. GRCh37 (hg19) VCF-style: chr8-55538895-GT-G.
Other names: c.787+4050del (NM_001375654.1); short protein forms L819fs.
Identifiers: ClinVar variation 2106949 (VCV002106949.4), dbSNP rs2536575024, ClinGen allele CA2580078392.